The following is an entry in ClinVar:

ClinVar aggregate classification (germline): Pathogenic (1 of 4 stars; one submission).

Submission:

Labcorp Genetics (formerly Invitae), Labcorp
Classification: Pathogenic. Last evaluated: 2022-05-11. Review status: criteria provided, single submitter. Criteria: Invitae Variant Classification Sherloc (09022015). Collection method: clinical testing. Allele origin: germline.
Comment: This sequence change creates a premature translational stop signal (p.Asp1071Valfs*4) in the POLE gene. It is expected to result in an absent or disrupted protein product. Loss-of-function variants in POLE are known to be pathogenic (PMID: 23230001, 25948378, 30503519). This variant is not present in population databases (gnomAD no frequency). This variant has not been reported in the literature in individuals affected with POLE-related conditions. ClinVar contains an entry for this variant (Variation ID: 1002194). Algorithms developed to predict the effect of sequence changes on RNA splicing suggest that this variant may create or strengthen a splice site. For these reasons, this variant has been classified as Pathogenic.

Literature cited by the submitters: PubMed 23230001; PubMed 25948378; PubMed 30503519.

NM_006231.4(POLE):c.3212del (p.Asp1071fs)

Gene: POLE (DNA polymerase epsilon, catalytic subunit; minus strand). Cytogenetic location: 12q24.33.
Variant type: Deletion.
Coding change: c.3212del on transcript NM_006231.4 (MANE Select); coding-DNA position 3212, one base deleted (A; older notation c.3212delA).
Protein change: p.Asp1071fs; shifts the reading frame from aspartic acid 1071.
Molecular consequence: frameshift variant.
Genome position (GRCh38, 1-based): chr12:132,659,358, T deleted on the plus strand (A on the coding strand, the reverse complement: POLE is on the minus strand). VCF-style (leftmost placement, unchanged base first): chr12-132659357-AT-A. GRCh37 (hg19) VCF-style: chr12-133235943-AT-A.
Other names: short protein forms D1071fs.
Identifiers: ClinVar variation 1002194 (VCV001002194.10), dbSNP rs2042628713, ClinGen allele CA2072994592.